The following is an entry in ClinVar:

NM_000090.4(COL3A1):c.3542C>G (p.Pro1181Arg)

Gene: COL3A1 (collagen type III alpha 1 chain; plus strand). Cytogenetic location: 2q32.2.
Variant type: single nucleotide variant.
Coding change: c.3542C>G on transcript NM_000090.4 (MANE Select); coding-DNA position 3542, C replaced by G.
Protein change: p.Pro1181Arg; replaces proline 1181 with arginine.
Molecular consequence: missense variant.
Genome position (GRCh38, 1-based): chr2:189,008,940, C>G. VCF-style: chr2-189008940-C-G. GRCh37 (hg19) VCF-style: chr2-189873666-C-G.
Other names: short protein forms P1181R.
Identifiers: ClinVar variation 3073950 (VCV003073950.1), dbSNP rs2469165847, ClinGen allele CA349846607.

ClinVar aggregate classification (germline): Uncertain significance (1 of 4 stars; one submission).

Conditions:
Ehlers-Danlos syndrome, type 4 (EDSVASC). Also called: Ehlers-Danlos Syndrome Type IV; Ehlers-Danlos syndrome vascular type; Ehlers Danlos syndrome, ecchymotic type; Ehlers Danlos syndrome, arterial type; Ehlers Danlos syndrome, Sack-Barabas type. Identifiers: Orphanet 286, MedGen C0268338, MONDO:0017314, OMIM 130050.

Submission:

All of Us Research Program, National Institutes of Health
Classification: Uncertain significance for Ehlers-Danlos syndrome, type 4. Last evaluated: 2023-11-30. Review status: criteria provided, single submitter. Criteria: ACMG Guidelines, 2015. Collection method: clinical testing. Allele origin: germline. Inheritance: Autosomal dominant inheritance. Observed: 1 variant allele, 1 heterozygote.
Comment: This study involves interpretation of variants in research participants for the purpose of population health screening. Participant phenotype was not available at the time of variant classification. Additional details can be found in publication PMID: 35346344, PMCID: PMC8962531